The following is an entry in ClinVar:

ClinVar aggregate classification (germline): Likely pathogenic (1 of 4 stars; one submission).

Conditions:
Arterial tortuosity syndrome (ATORS). Identifiers: Orphanet 3342, MedGen C1859726, MONDO:0008818, OMIM 208050.

Allele frequency attached by ClinVar (database versions not stated): gnomAD exomes below 0.00001.
gnomAD v4.1: 1 of 1,614,174 alleles (0.000062%); highest among the groups gnomAD compares: Admixed American, 0.0017%; no homozygotes.

Submission:

Labcorp Genetics (formerly Invitae), Labcorp
Classification: Likely pathogenic for Arterial tortuosity syndrome. Last evaluated: 2023-12-20. Review status: criteria provided, single submitter. Criteria: Invitae Variant Classification Sherloc (09022015). Collection method: clinical testing. Allele origin: germline.
Comment: This sequence change affects an acceptor splice site in intron 1 of the SLC2A10 gene. It is expected to disrupt RNA splicing. Variants that disrupt the donor or acceptor splice site typically lead to a loss of protein function (PMID: 16199547), and loss-of-function variants in SLC2A10 are known to be pathogenic (PMID: 17935213, 22488877, 23494979). This variant is present in population databases (no rsID available, gnomAD 0.003%). This variant has not been reported in the literature in individuals affected with SLC2A10-related conditions. ClinVar contains an entry for this variant (Variation ID: 1468303). Algorithms developed to predict the effect of sequence changes on RNA splicing suggest that this variant may disrupt the consensus splice site. In summary, the currently available evidence indicates that the variant is pathogenic, but additional data are needed to prove that conclusively. Therefore, this variant has been classified as Likely Pathogenic.

Literature cited by the submitters: PubMed 16199547; PubMed 17935213; PubMed 22488877; PubMed 23494979.

NM_030777.4(SLC2A10):c.5-2A>G

Gene: SLC2A10 (solute carrier family 2 member 10; plus strand). Cytogenetic location: 20q13.12.
Variant type: single nucleotide variant.
Coding change: c.5-2A>G on transcript NM_030777.4 (MANE Select); the canonical splice acceptor site of the intron before coding-DNA position 5, A replaced by G.
Molecular consequence: splice acceptor variant.
Genome position (GRCh38, 1-based): chr20:46,725,039, A>G. VCF-style: chr20-46725039-A-G. GRCh37 (hg19) VCF-style: chr20-45353678-A-G.
Identifiers: ClinVar variation 1468303 (VCV001468303.8), dbSNP rs770701918, ClinGen allele CA409266063.